The following is an entry in ClinVar:

ClinVar aggregate classification (germline): Uncertain significance (1 of 4 stars; one submission).

Conditions:
Arrhythmogenic right ventricular dysplasia 10. Also called: Arrhythmogenic Right Ventricular Dysplasia/Cardiomyopathy10; Arrhythmogenic right ventricular dysplasia/cardiomyopathy, type 10; ARRHYTHMOGENIC RIGHT VENTRICULAR DYSPLASIA, FAMILIAL, 10. Identifiers: MedGen C1857777, MONDO:0012434, OMIM 610193.

Submission:

Labcorp Genetics (formerly Invitae), Labcorp
Classification: Uncertain significance for Arrhythmogenic right ventricular dysplasia 10. Last evaluated: 2023-04-16. Review status: criteria provided, single submitter. Criteria: Invitae Variant Classification Sherloc (09022015). Collection method: clinical testing. Allele origin: germline.
Comment: In summary, the available evidence is currently insufficient to determine the role of this variant in disease. Therefore, it has been classified as a Variant of Uncertain Significance. Advanced modeling of protein sequence and biophysical properties (such as structural, functional, and spatial information, amino acid conservation, physicochemical variation, residue mobility, and thermodynamic stability) performed at Invitae indicates that this missense variant is not expected to disrupt DSG2 protein function. This variant has not been reported in the literature in individuals affected with DSG2-related conditions. This variant is present in population databases (rs2230235, gnomAD 0.006%). This sequence change replaces valine, which is neutral and non-polar, with phenylalanine, which is neutral and non-polar, at codon 515 of the DSG2 protein (p.Val515Phe).

NM_001943.5(DSG2):c.1543G>T (p.Val515Phe)

Gene: DSG2 (desmoglein 2; plus strand). Cytogenetic location: 18q12.1.
Variant type: single nucleotide variant.
Coding change: c.1543G>T on transcript NM_001943.5 (MANE Select); coding-DNA position 1543, G replaced by T.
Protein change: p.Val515Phe; replaces valine 515 with phenylalanine.
Molecular consequence: missense variant.
Genome position (GRCh38, 1-based): chr18:31,536,321, G>T. VCF-style: chr18-31536321-G-T. GRCh37 (hg19) VCF-style: chr18-29116284-G-T.
Other names: short protein forms V515F.
Identifiers: ClinVar variation 2856861 (VCV002856861.3), dbSNP rs2230235, ClinGen allele CA042820.
Genomic context (GRCh38, chr18:31,536,321, plus strand): 5'-AACTGTCCCACACTGATAGAGCCTGTGCAGACAATCTGTCACGATGCAGAGTATGTGAAT[G>T]TTACTGCAGAGGACCTGGATGGACACCCAAACAGTGGCCCTTTCAGTTTCTCCGTCATTG-3'
Protein context (NP_001934.2, residues 505-525): TICHDAEYVN[Val515Phe]TAEDLDGHPN